The following is an entry in ClinVar:

NM_033305.3(VPS13A):c.9253_9254del (p.Asp3085fs)

Gene: VPS13A (vacuolar protein sorting 13 homolog A; plus strand). Cytogenetic location: 9q21.2.
Variant type: Deletion.
Coding change: c.9253_9254del on transcript NM_033305.3 (MANE Select); coding-DNA positions 9253 to 9254, 2 bases deleted (GA; older notation c.9253_9254delGA).
Protein change: p.Asp3085fs; shifts the reading frame from aspartic acid 3085.
Molecular consequence: frameshift variant.
Genome position (GRCh38, 1-based): chr9:77,403,299-77,403,300, GA deleted; deleting any 2 consecutive bases within chr9:77,403,298-77,403,300 gives the same sequence; the c. name uses the placement nearest the transcript's 3' end. VCF-style (leftmost placement, unchanged base first): chr9-77403297-CAG-C. GRCh37 (hg19) VCF-style: chr9-80018213-CAG-C.
Other names: c.9136_9137del, p.Asp3046fs (NM_001018037.2); short protein forms D3085fs, D3046fs.
Identifiers: ClinVar variation 1460068 (VCV001460068.6), dbSNP rs2131647728, ClinGen allele CA2573144734.

ClinVar aggregate classification (germline): Pathogenic (1 of 4 stars; one submission).

Submission:

Labcorp Genetics (formerly Invitae), Labcorp
Classification: Pathogenic. Last evaluated: 2022-12-18. Review status: criteria provided, single submitter. Criteria: Invitae Variant Classification Sherloc (09022015). Collection method: clinical testing. Allele origin: germline.
Comment: For these reasons, this variant has been classified as Pathogenic. ClinVar contains an entry for this variant (Variation ID: 1460068). This variant has not been reported in the literature in individuals affected with VPS13A-related conditions. This variant is not present in population databases (gnomAD no frequency). This sequence change creates a premature translational stop signal (p.Asp3085Tyrfs*23) in the VPS13A gene. It is expected to result in an absent or disrupted protein product. Loss-of-function variants in VPS13A are known to be pathogenic (PMID: 12404112, 21598378).

Literature cited by the submitters: PubMed 12404112; PubMed 21598378.